The following is an entry in ClinVar:

ClinVar aggregate classification (germline): Uncertain significance (1 of 4 stars; one submission).

gnomAD v4.1: 4 of 1,571,424 alleles (0.00025%); highest among the groups gnomAD compares: South Asian, 0.0011%; no homozygotes.

Submission:

Ambry Genetics
Classification: Uncertain significance. Last evaluated: 2024-11-18. Review status: criteria provided, single submitter. Criteria: Ambry Variant Classification Scheme 2023. Collection method: clinical testing. Allele origin: germline.
Comment: The p.Y209C variant (also known as c.626A>G), located in coding exon 4 of the GEN1 gene, results from an A to G substitution at nucleotide position 626. The tyrosine at codon 209 is replaced by cysteine, an amino acid with highly dissimilar properties. This amino acid position is conserved. In addition, this alteration is predicted to be deleterious by in silico analysis. Based on the available evidence, the clinical significance of this variant remains unclear.

NM_001130009.3(GEN1):c.626A>G (p.Tyr209Cys)

Gene: GEN1 (GEN1 Holliday junction 5' flap endonuclease; plus strand). Cytogenetic location: 2p24.2.
Variant type: single nucleotide variant.
Coding change: c.626A>G on transcript NM_001130009.3 (MANE Select); coding-DNA position 626, A replaced by G.
Protein change: p.Tyr209Cys; replaces tyrosine 209 with cysteine.
Molecular consequence: missense variant.
Genome position (GRCh38, 1-based): chr2:17,766,679, A>G. VCF-style: chr2-17766679-A-G. GRCh37 (hg19) VCF-style: chr2-17947946-A-G.
Other names: c.626A>G, p.Tyr209Cys (NM_182625.5); short protein forms Y209C.
Identifiers: ClinVar variation 3519714 (VCV003519714.1).
Genomic context (GRCh38, chr2:17,766,679, plus strand): 5'-GTAAACTAGGTTTGGATAGAGATGCTCTGGTTGGATTAGCAATACTTCTTGGCTGTGATT[A>G]TCTCCCAAAGGTAAGCTGAAATTGTCATATTTATTTGCTATTCATAAAGTCTTTTTCGTA-3'
Protein context (NP_001123481.3, residues 199-219): VGLAILLGCD[Tyr209Cys]LPKGVPGVGK